The following is an entry in ClinVar:

NM_021133.4(RNASEL):c.195C>A (p.Asn65Lys)

Gene: RNASEL (ribonuclease L; minus strand). Cytogenetic location: 1q25.3.
Variant type: single nucleotide variant.
Coding change: c.195C>A on transcript NM_021133.4 (MANE Select); coding-DNA position 195, C replaced by A.
Protein change: p.Asn65Lys; replaces asparagine 65 with lysine.
Molecular consequence: missense variant.
Genome position (GRCh38, 1-based): chr1:182,586,612, G>T on the plus strand (C>A on the coding strand, the complement: RNASEL is on the minus strand). VCF-style: chr1-182586612-G-T. GRCh37 (hg19) VCF-style: chr1-182555747-G-T.
Other names: short protein forms N65K.
Identifiers: ClinVar variation 3057296 (VCV003057296.2), dbSNP rs113469614, ClinGen allele CA1278334.

ClinVar aggregate classification (germline): Likely benign (0 of 4 stars; one submission).

Conditions:
RNASEL-related disorder. Also called: RNASEL-related condition.

Allele frequency attached by ClinVar (database versions not stated): 1000 Genomes Project 30x 0.00062.
gnomAD v4.1: 79 of 1,611,812 alleles (0.0049%); highest among the groups gnomAD compares: East Asian, 0.16%; no homozygotes.

Submission:

PreventionGenetics, part of Exact Sciences
Classification: Likely benign for RNASEL-related condition. Last evaluated: 2020-06-15. Review status: no assertion criteria provided. Collection method: clinical testing. Allele origin: germline.
Comment: This variant is classified as likely benign based on ACMG/AMP sequence variant interpretation guidelines (Richards et al. 2015 PMID: 25741868, with internal and published modifications).